The following is an entry in ClinVar:

NM_004817.4(TJP2):c.3134T>C (p.Phe1045Ser)

Gene: TJP2 (tight junction protein 2; plus strand). Cytogenetic location: 9q21.11.
Variant type: single nucleotide variant.
Coding change: c.3134T>C on transcript NM_004817.4 (MANE Select); coding-DNA position 3134, T replaced by C.
Protein change: p.Phe1045Ser; replaces phenylalanine 1045 with serine.
Molecular consequence: missense variant. On other transcripts: intron variant (3).
Genome position (GRCh38, 1-based): chr9:69,251,177, T>C. VCF-style: chr9-69251177-T-C. GRCh37 (hg19) VCF-style: chr9-71866093-T-C.
Other names: c.3035T>C, p.Phe1012Ser (NM_001170415.1); c.3227T>C, p.Phe1076Ser (NM_001170416.2); c.3059T>C, p.Phe1020Ser (NM_001369870.1); c.3065T>C, p.Phe1022Ser (NM_001369871.1); c.3023T>C, p.Phe1008Ser (NM_001369872.1); c.2810T>C, p.Phe937Ser (NM_001369873.1); c.3146T>C, p.Phe1049Ser (NM_001369875.1); c.2812-1638T>C (NM_001170414.2); and 2 more; short protein forms F1008S, F1012S, F1020S, F1022S, F1045S, F1049S, F1076S, F937S.
Identifiers: ClinVar variation 3360887 (VCV003360887.1).

ClinVar aggregate classification (germline): Uncertain significance (1 of 4 stars; one submission).

Submission:

GeneDx
Classification: Uncertain significance. Last evaluated: 2023-07-12. Review status: criteria provided, single submitter. Criteria: GeneDx Variant Classification Process June 2021. Collection method: clinical testing. Allele origin: germline. Affected: yes.
Comment: Not observed at significant frequency in large population cohorts (gnomAD); In silico analysis supports that this missense variant does not alter protein structure/function; Has not been previously published as pathogenic or benign to our knowledge